The following is an entry in ClinVar:

NM_002471.4(MYH6):c.731G>A (p.Arg244His)

Gene: MYH6 (myosin heavy chain 6; minus strand). Cytogenetic location: 14q11.2.
Variant type: single nucleotide variant.
Coding change: c.731G>A on transcript NM_002471.4 (MANE Select); coding-DNA position 731, G replaced by A.
Protein change: p.Arg244His; replaces arginine 244 with histidine.
Molecular consequence: missense variant.
Genome position (GRCh38, 1-based): chr14:23,404,300, C>T on the plus strand (G>A on the coding strand, the complement: MYH6 is on the minus strand). VCF-style: chr14-23404300-C-T. GRCh37 (hg19) VCF-style: chr14-23873509-C-T.
Other names: short protein forms R244H.
Identifiers: ClinVar variation 191721 (VCV000191721.14), dbSNP rs200645920, ClinGen allele CA237370.
Genomic context (GRCh38, chr14:23,404,300, plus strand): 5'-CCCCTTTTTCTTGTCAAGGCTGGATGAGGCCACTGGGAGTGGTCAAAGGCACTCACAAAG[C>T]GGGAGGAGTTGTCGTTCCGGACAGTCTTGGCATTGCCGAAGGCCTCCAGAGCGGGGTTGG-3'
Protein context (NP_002462.2, residues 234-254): AKTVRNDNSS[Arg244His]FGKFIRIHFG

ClinVar aggregate classification (germline): Uncertain significance. Review status: criteria provided, multiple submitters, no conflicts (2 of 4 stars). 5 submissions from 5 submitters: Uncertain significance (4). 1 of the submissions does not count toward it. Last evaluated 2025-07-29.

Conditions:
Cardiovascular phenotype. Identifiers: MedGen CN230736.
Hypertrophic cardiomyopathy 14. Identifiers: MedGen C2750467, MONDO:0013197, OMIM 613251.

Allele frequency attached by ClinVar (database versions not stated): gnomAD exomes 0.00001; gnomAD 0.00002; TOPMed 0.00003; ExAC 0.00001.
gnomAD v4.1: 26 of 1,614,120 alleles (0.0016%); highest among the groups gnomAD compares: South Asian, 0.0066%; no homozygotes.

Submissions (5):

Labcorp Genetics (formerly Invitae), Labcorp
Classification: Uncertain significance for Hypertrophic cardiomyopathy 14. Last evaluated: 2025-07-29. Review status: criteria provided, single submitter. Criteria: Invitae Variant Classification Sherloc (09022015). Collection method: clinical testing. Allele origin: germline.
Comment: This sequence change replaces arginine, which is basic and polar, with histidine, which is basic and polar, at codon 244 of the MYH6 protein (p.Arg244His). This variant is present in population databases (rs200645920, gnomAD 0.006%). This missense change has been observed in individual(s) with clinical features of MYH6-related conditions (PMID: 30029678, 30293987). ClinVar contains an entry for this variant (Variation ID: 191721). Invitae Evidence Modeling of protein sequence and biophysical properties (such as structural, functional, and spatial information, amino acid conservation, physicochemical variation, residue mobility, and thermodynamic stability) indicates that this missense variant is expected to disrupt MYH6 protein function with a positive predictive value of 80%. In summary, the available evidence is currently insufficient to determine the role of this variant in disease. Therefore, it has been classified as a Variant of Uncertain Significance.

AiLife Diagnostics
Classification: Uncertain significance. Last evaluated: 2021-09-22. Review status: criteria provided, single submitter. Criteria: ACMG Guidelines, 2015. Collection method: clinical testing. Allele origin: germline. Affected: yes. Observed: 1 variant allele.

Ambry Genetics
Classification: Uncertain significance for Cardiovascular phenotype. Last evaluated: 2021-07-14. Review status: criteria provided, single submitter. Criteria: Ambry Variant Classification Scheme 2023. Collection method: clinical testing. Allele origin: germline.
Comment: The p.R244H variant (also known as c.731G>A), located in coding exon 6 of the MYH6 gene, results from a G to A substitution at nucleotide position 731. The arginine at codon 244 is replaced by histidine, an amino acid with highly similar properties. This alteration has been reported in different cardiac-related cohorts, including congenital heart defect cohorts, and as a secondary cardiac variant in an exome cohort; however, clinical details were limited and additional cardiac-related alterations were identified in some individuals (Ng D et al. Circ Cardiovasc Genet, 2013 Aug;6:337-46; Zhu N et al. Genome Med, 2018 07;10:56; Alankarage D et al. Genet Med, 2019 05;21:1111-1120; van Lint FHM et al. Neth Heart J, 2019 Jun;27:304-309). This amino acid position is highly conserved in available vertebrate species. In addition, this alteration is predicted to be deleterious by in silico analysis. Since supporting evidence is limited at this time, the clinical significance of this alteration remains unclear.

Biesecker Lab/Clinical Genomics Section, National Institutes of Health
Classification: Uncertain significance. Last evaluated: 2013-06-24. Review status: criteria provided, single submitter. Criteria: Ng et al. (Circ Cardiovasc Genet. 2013). Collection method: research. Allele origin: unknown. Observed: 1 variant allele. Study: ClinSeq.
Comment: The study set was not selected for affection status in relation to any cancer. Pathogenicity categories were based on literature curation. See Pubmed ID:23861362 for details.

Medical sequencing

Department of Pathology and Laboratory Medicine, Sinai Health System
Classification: Uncertain significance. Review status: no assertion criteria provided. Collection method: clinical testing. Allele origin: unknown. Affected: yes. Study: The Canadian Open Genetics Repository (COGR). Not counted in ClinVar's aggregate classification.
Comment: The MYH6 p.R244H variant was identified in one individual with sporadic congenital heart disease (Alankarage_2019_PMID:30293987). The variant was identified in dbSNP (ID: rs200645920) and ClinVar (classified as uncertain significance by Invitae and Biesecker Lab/Clinical Genomics Section, National Institutes of Health). The variant was identified in control databases in 3 of 251486 chromosomes at a frequency of 0.00001193 (Genome Aggregation Database March 6, 2019, v2.1.1). The p.R244 residue is conserved in mammals and computational analyses (MUT Assesor, PolyPhen-2, SIFT, MutationTaster, Revel, FATHMM, MetaLR, DANN) suggest that the variant may impact the protein; however, this information is not predictive enough to assume pathogenicity. The variant occurs outside of the splicing consensus sequence and in silico or computational prediction software programs (Splice AI exome) do not predict a deleterious effect on splicing. In summary, based on the above information the clinical significance of this variant cannot be determined with certainty at this time. This variant is classified as a variant of uncertain significance.

Literature cited by the submitters: PubMed 30029678 (cited by 3 submitters); PubMed 30293987 (cited by 3 submitters); PubMed 23861362 (cited by Ambry Genetics); PubMed 30847666 (cited by Ambry Genetics).